The following is an entry in ClinVar:

ClinVar aggregate classification (germline): Uncertain significance (1 of 4 stars; one submission).

gnomAD v4.1: 57 of 1,612,820 alleles (0.0035%); highest among the groups gnomAD compares: Non-Finnish European, 0.0046%; no homozygotes.

Submission:

Labcorp Genetics (formerly Invitae), Labcorp
Classification: Uncertain significance. Last evaluated: 2024-12-09. Review status: criteria provided, single submitter. Criteria: Invitae Variant Classification Sherloc (09022015). Collection method: clinical testing. Allele origin: germline.
Comment: This sequence change replaces serine, which is neutral and polar, with asparagine, which is neutral and polar, at codon 618 of the KLC2 protein (p.Ser618Asn). This variant is present in population databases (rs199891834, gnomAD 0.0009%). This variant has not been reported in the literature in individuals affected with KLC2-related conditions. An algorithm developed to predict the effect of missense changes on protein structure and function outputs the following: PolyPhen-2: "Not Available". The asparagine amino acid residue is found in multiple mammalian species, which suggests that this missense change does not adversely affect protein function. In summary, the available evidence is currently insufficient to determine the role of this variant in disease. Therefore, it has been classified as a Variant of Uncertain Significance.

NM_001318734.2(KLC2):c.1853G>A (p.Ser618Asn)

Gene: KLC2 (kinesin light chain 2; plus strand). Cytogenetic location: 11q13.2.
Variant type: single nucleotide variant.
Coding change: c.1853G>A on transcript NM_001318734.2 (MANE Select); coding-DNA position 1853, G replaced by A.
Protein change: p.Ser618Asn; replaces serine 618 with asparagine.
Molecular consequence: missense variant.
Genome position (GRCh38, 1-based): chr11:66,266,940, G>A. VCF-style: chr11-66266940-G-A. GRCh37 (hg19) VCF-style: chr11-66034411-G-A.
Other names: c.1622G>A, p.Ser541Asn (NM_001134774.2); c.1853G>A, p.Ser618Asn (NM_001134775.2, NM_001134776.2, NM_022822.3); short protein forms S618N, S541N.
Identifiers: ClinVar variation 3666113 (VCV003666113.2).
Genomic context (GRCh38, chr11:66,266,940, plus strand): 5'-GCACAGGTCTCTCTGACAGCCGCACTCTCAGCTCCAGCTCCATGGACCTCTCCCGACGAA[G>A]CTCCCTGGTGGGCTAATGCTGAAGGGGCAGCCAGTCACCAGAGCGCCCACCTGGCACACC-3'
Protein context (NP_001305663.1, residues 608-622): SSSSMDLSRR[Ser618Asn]SLVG